The following is an entry in ClinVar:

NM_024753.5(TTC21B):c.894+10C>G

Gene: TTC21B (tetratricopeptide repeat domain 21B; minus strand). Cytogenetic location: 2q24.3.
Variant type: single nucleotide variant.
Coding change: c.894+10C>G on transcript NM_024753.5 (MANE Select); 10 bases into the intron after coding-DNA position 894, C replaced by G.
Molecular consequence: intron variant.
Genome position (GRCh38, 1-based): chr2:165,931,748, G>C on the plus strand (C>G on the coding strand, the complement: TTC21B is on the minus strand). VCF-style: chr2-165931748-G-C. GRCh37 (hg19) VCF-style: chr2-166788258-G-C.
Other names: c.894+10C>G (NM_024753.4).
Identifiers: ClinVar variation 2070795 (VCV002070795.5), dbSNP rs1466521603, ClinGen allele CA537154501.

ClinVar aggregate classification (germline): Likely benign. Review status: criteria provided, single submitter (1 of 4 stars). 2 submissions from 2 submitters: Likely benign (1). 1 of the submissions does not count toward it. Last evaluated 2025-01-27.

Conditions:
TTC21B-related disorder. Also called: TTC21B-related condition; TTC21B-related disorders.
Jeune thoracic dystrophy. Also called: Jeune syndrome; Infantile thoracic dystrophy; Thoracic pelvic phalangeal dystrophy; Jeune's syndrome; Chondroectodermal dysplasia-like syndrome; Short-rib thoracic dysplasia. Identifiers: Orphanet 474, MedGen C0265275, MONDO:0018770.
Nephronophthisis. Also called: Juvenile Nephronophthisis. Identifiers: Orphanet 655, MedGen C0687120, MONDO:0019005, HP:0000090.

Allele frequency attached by ClinVar (database versions not stated): gnomAD 0.00003; TOPMed 0.00005.
gnomAD v4.1: 11 of 1,602,002 alleles (0.00069%); highest among the groups gnomAD compares: African/African-American, 0.013%; no homozygotes.

Submissions (2):

Labcorp Genetics (formerly Invitae), Labcorp
Classification: Likely benign for Jeune thoracic dystrophy; Nephronophthisis. Last evaluated: 2025-01-27. Review status: criteria provided, single submitter. Criteria: Invitae Variant Classification Sherloc (09022015). Collection method: clinical testing. Allele origin: germline.

PreventionGenetics, part of Exact Sciences
Classification: Likely benign for TTC21B-related condition. Last evaluated: 2024-09-18. Review status: no assertion criteria provided. Collection method: clinical testing. Allele origin: germline. Not counted in ClinVar's aggregate classification.
Comment: This variant is classified as likely benign based on ACMG/AMP sequence variant interpretation guidelines (Richards et al. 2015 PMID: 25741868, with internal and published modifications).